The following is an entry in ClinVar:

NM_000426.4(LAMA2):c.820-1G>A

Gene: LAMA2 (laminin subunit alpha 2; plus strand). Cytogenetic location: 6q22.33.
Variant type: single nucleotide variant.
Coding change: c.820-1G>A on transcript NM_000426.4 (MANE Select); the canonical splice acceptor site of the intron before coding-DNA position 820, G replaced by A.
Molecular consequence: splice acceptor variant.
Genome position (GRCh38, 1-based): chr6:129,146,958, G>A. VCF-style: chr6-129146958-G-A. GRCh37 (hg19) VCF-style: chr6-129468103-G-A.
Other names: c.820-1G>A (NM_001079823.2).
Identifiers: ClinVar variation 963631 (VCV000963631.9), dbSNP rs1370654793, ClinGen allele CA365606260.

ClinVar aggregate classification (germline): Likely pathogenic. Review status: criteria provided, multiple submitters, no conflicts (2 of 4 stars). 2 submissions from 2 submitters: Likely pathogenic (2). Last evaluated 2023-08-20.

Conditions:
LAMA2-related muscular dystrophy (LAMA2-RD). Also called: Laminin alpha 2-related dystrophy. Identifiers: MedGen C5679788, MONDO:0100228.
Merosin deficient congenital muscular dystrophy (MDC1A). Also called: Congenital Muscular Dystrophy Type 1A (MDC1A); Congenital merosin-deficient muscular dystrophy 1A. Identifiers: Orphanet 258, MedGen C1263858, MONDO:0011925, OMIM 607855.

Allele frequency attached by ClinVar (database versions not stated): gnomAD exomes below 0.00001 and 0.00001.
gnomAD v4.1: 11 of 1,598,830 alleles (0.00069%); highest among the groups gnomAD compares: Non-Finnish European, 0.00094%; no homozygotes.

Submissions (2):

Baylor Genetics
Classification: Likely pathogenic for Merosin deficient congenital muscular dystrophy. Last evaluated: 2023-08-20. Review status: criteria provided, single submitter. Criteria: ACMG Guidelines, 2015. Collection method: clinical testing. Allele origin: unknown.

Labcorp Genetics (formerly Invitae), Labcorp
Classification: Likely pathogenic for LAMA2-related muscular dystrophy. Last evaluated: 2023-03-08. Review status: criteria provided, single submitter. Criteria: Invitae Variant Classification Sherloc (09022015). Collection method: clinical testing. Allele origin: germline.
Comment: In summary, the currently available evidence indicates that the variant is pathogenic, but additional data are needed to prove that conclusively. Therefore, this variant has been classified as Likely Pathogenic. Algorithms developed to predict the effect of sequence changes on RNA splicing suggest that this variant may disrupt the consensus splice site. ClinVar contains an entry for this variant (Variation ID: 963631). This variant has not been reported in the literature in individuals affected with LAMA2-related conditions. This variant is present in population databases (no rsID available, gnomAD 0.0009%). This sequence change affects an acceptor splice site in intron 5 of the LAMA2 gene. It is expected to disrupt RNA splicing. Variants that disrupt the donor or acceptor splice site typically lead to a loss of protein function (PMID: 16199547), and loss-of-function variants in LAMA2 are known to be pathogenic (PMID: 18700894, 32904964).

Literature cited by the submitters: PubMed 16199547 (cited by Labcorp Genetics (formerly Invitae), Labcorp); PubMed 18700894 (cited by Labcorp Genetics (formerly Invitae), Labcorp); PubMed 32904964 (cited by Labcorp Genetics (formerly Invitae), Labcorp).